The following is an entry in ClinVar:

ClinVar aggregate classification (germline): Uncertain significance (1 of 4 stars; one submission).

Submission:

GeneDx
Classification: Uncertain significance. Last evaluated: 2023-11-01. Review status: criteria provided, single submitter. Criteria: GeneDx Variant Classification Process June 2021. Collection method: clinical testing. Allele origin: germline. Affected: yes.
Comment: Variants in candidate genes are classified as variants of uncertain significance in accordance with ACMG guidelines (PMID: 25741868); Not observed at significant frequency in large population cohorts (gnomAD); In silico analysis supports a deleterious effect on splicing; Has not been previously published as pathogenic or benign to our knowledge

NM_002815.4(PSMD11):c.644-8A>G

Gene: PSMD11 (proteasome 26S subunit, non-ATPase 11; plus strand). Cytogenetic location: 17q11.2.
Variant type: single nucleotide variant.
Coding change: c.644-8A>G on transcript NM_002815.4 (MANE Select); 8 bases into the intron before coding-DNA position 644, A replaced by G.
Molecular consequence: intron variant.
Genome position (GRCh38, 1-based): chr17:32,473,793, A>G. VCF-style: chr17-32473793-A-G. GRCh37 (hg19) VCF-style: chr17-30800811-A-G.
Other names: c.644-8A>G (NM_001270482.2).
Identifiers: ClinVar variation 3363597 (VCV003363597.1).